The following is an entry in ClinVar:

ClinVar aggregate classification (germline): Uncertain significance. Review status: criteria provided, multiple submitters, no conflicts (2 of 4 stars). 4 submissions from 4 submitters: Uncertain significance (4). Last evaluated 2024-12-10.

Conditions:
Hereditary cancer-predisposing syndrome. Also called: Hereditary neoplastic syndrome; Neoplastic Syndromes, Hereditary; Tumor predisposition; Hereditary Cancer Syndrome. Identifiers: Orphanet 140162, MedGen C0027672, MeSH D009386, MONDO:0015356.
Microcephaly, normal intelligence and immunodeficiency (NBS). Also called: IMMUNODEFICIENCY, MICROCEPHALY, AND CHROMOSOMAL INSTABILITY; SEEMANOVA SYNDROME II; Immunodeficiency, microcephaly with normal intelligence; Ataxia telangiectasia variant V1; Nijmegen breakage syndrome; Microcephaly with normal intelligence immunodeficiency and lymphoreticular malignancies. Identifiers: Orphanet 647, MedGen C0398791, MONDO:0009623, OMIM 251260.

Allele frequency attached by ClinVar (database versions not stated): TOPMed below 0.00001; gnomAD 0.00001.
gnomAD v4.1: 1 of 1,581,462 alleles (0.000063%); highest among the groups gnomAD compares: Non-Finnish European, 0.000087%; no homozygotes.

Submissions (4):

Ambry Genetics
Classification: Uncertain significance for Hereditary cancer-predisposing syndrome. Last evaluated: 2024-12-10. Review status: criteria provided, single submitter. Criteria: Ambry Variant Classification Scheme 2023. Collection method: clinical testing. Allele origin: germline.
Comment: The p.D641G variant (also known as c.1922A>G), located in coding exon 13 of the NBN gene, results from an A to G substitution at nucleotide position 1922. The aspartic acid at codon 641 is replaced by glycine, an amino acid with similar properties. This amino acid position is conserved. In addition, this alteration is predicted to be tolerated by in silico analysis. Based on the available evidence, the clinical significance of this variant remains unclear.

Labcorp Genetics (formerly Invitae), Labcorp
Classification: Uncertain significance for Microcephaly, normal intelligence and immunodeficiency. Last evaluated: 2022-05-21. Review status: criteria provided, single submitter. Criteria: Invitae Variant Classification Sherloc (09022015). Collection method: clinical testing. Allele origin: germline.
Comment: In summary, the available evidence is currently insufficient to determine the role of this variant in disease. Therefore, it has been classified as a Variant of Uncertain Significance. This sequence change replaces aspartic acid, which is acidic and polar, with glycine, which is neutral and non-polar, at codon 641 of the NBN protein (p.Asp641Gly). This variant is not present in population databases (gnomAD no frequency). This variant has not been reported in the literature in individuals affected with NBN-related conditions. ClinVar contains an entry for this variant (Variation ID: 411772). Algorithms developed to predict the effect of missense changes on protein structure and function output the following: SIFT: "Tolerated"; PolyPhen-2: "Benign"; Align-GVGD: "Class C0". The glycine amino acid residue is found in multiple mammalian species, which suggests that this missense change does not adversely affect protein function.

Genome-Nilou Lab
Classification: Uncertain significance for Microcephaly, normal intelligence and immunodeficiency. Last evaluated: 2021-11-07. Review status: criteria provided, single submitter. Criteria: ACMG Guidelines, 2015. Collection method: clinical testing. Allele origin: germline. Affected: no.

Eurofins Ntd Llc (ga)
Classification: Uncertain significance. Last evaluated: 2018-02-14. Review status: criteria provided, single submitter. Criteria: EGL ClinVar v180209 classification definitions. Collection method: clinical testing. Allele origin: germline. Observed: 1 variant allele, 1 heterozygote.

NM_002485.5(NBN):c.1922A>G (p.Asp641Gly)

Gene: NBN (nibrin; minus strand). Cytogenetic location: 8q21.3.
Variant type: single nucleotide variant.
Coding change: c.1922A>G on transcript NM_002485.5 (MANE Select); coding-DNA position 1922, A replaced by G.
Protein change: p.Asp641Gly; replaces aspartic acid 641 with glycine.
Molecular consequence: missense variant.
Genome position (GRCh38, 1-based): chr8:89,946,288, T>C on the plus strand (A>G on the coding strand, the complement: NBN is on the minus strand). VCF-style: chr8-89946288-T-C. GRCh37 (hg19) VCF-style: chr8-90958516-T-C.
Other names: c.1676A>G, p.Asp559Gly (NM_001024688.3); short protein forms D641G, D559G.
Identifiers: ClinVar variation 411772 (VCV000411772.15), dbSNP rs921235584, ClinGen allele CA16612357.
Genomic context (GRCh38, chr8:89,946,288, plus strand): 5'-GATCTAAATTCAGTCAATAACAGCTTTTTTGGAAGCATCTCACTATCATCCTGAAGTTTG[T>C]CATTGTTCTTAAATGGGGTTAAGATGGATAGGTAAGAAAGAGAAGAAATAACAAAGAAAA-3'
Protein context (NP_002476.2, residues 631-651): LWSAKEISNN[Asp641Gly]KLQDDSEMLP